The following is an entry in ClinVar:

ClinVar aggregate classification (germline): Benign/Likely benign. Review status: criteria provided, multiple submitters, no conflicts (2 of 4 stars). 4 submissions from 4 submitters: Benign (2); Likely benign (2). Last evaluated 2025-09-16.

Conditions:
Brain small vessel disease 2A, autosomal dominant. Also called: Porencephaly 2. Identifiers: Orphanet 2940, Orphanet 99810, MedGen C3280970, MONDO:0013773, OMIM 614483.

Allele frequency attached by ClinVar (database versions not stated): gnomAD 0.00001 and 0.00004; TOPMed 0.00002; gnomAD exomes 0.00008 and 0.00017; ExAC 0.00018.
gnomAD v4.1: 130 of 1,613,662 alleles (0.0081%); highest among the groups gnomAD compares: South Asian, 0.11%; 1 homozygote.

Submissions (4):

Women's Health and Genetics/Laboratory Corporation of America, LabCorp
Classification: Likely benign. Last evaluated: 2025-09-16. Review status: criteria provided, single submitter. Criteria: LabCorp Variant Classification Summary - May 2015. Collection method: clinical testing. Allele origin: germline.
Comment: Variant summary: COL4A2 c.1199G>C (p.Arg400Thr) results in a non-conservative amino acid change in the encoded protein sequence. Algorithms developed to predict the effect of missense changes on protein structure and function are either unavailable or do not agree on the potential impact of this missense change. The variant allele was found at a frequency of 0.00017 in 249134 control chromosomes, predominantly at a frequency of 0.0013 within the South Asian subpopulation in the gnomAD database, including 1 homozygotes. The observed variant frequency within South Asian control individuals in the gnomAD database exceeds the estimated maximal expected allele frequency for disease-causing variants in COL4A2. To our knowledge, no occurrence of c.1199G>C in individuals affected with COL4A2-related conditions and no experimental evidence demonstrating its impact on protein function have been reported. ClinVar contains an entry for this variant (Variation ID: 883511). Based on the evidence outlined above, the variant was classified as likely benign.

Labcorp Genetics (formerly Invitae), Labcorp
Classification: Benign. Last evaluated: 2024-10-22. Review status: criteria provided, single submitter. Criteria: Invitae Variant Classification Sherloc (09022015). Collection method: clinical testing. Allele origin: germline.

Blueprint Genetics
Classification: Likely benign. Last evaluated: 2024-03-15. Review status: criteria provided, single submitter. Criteria: ACMG Guidelines, 2015. Collection method: clinical testing. Allele origin: germline.

Illumina Laboratory Services, Illumina
Classification: Benign for Brain small vessel disease 2A, autosomal dominant. Last evaluated: 2018-01-12. Review status: criteria provided, single submitter. Criteria: ICSL Variant Classification Criteria 13 December 2019. Collection method: clinical testing. Allele origin: germline.
Comment: This variant was observed in the ICSL laboratory as part of a predisposition screen in an ostensibly healthy population. It had not been previously curated by ICSL or reported in the Human Gene Mutation Database (HGMD: prior to June 1st, 2018), and was therefore a candidate for classification through an automated scoring system. Utilizing variant allele frequency, disease prevalence and penetrance estimates, and inheritance mode, an automated score was calculated to assess if this variant is too frequent to cause the disease. Based on the score and internal cut-off values, a variant classified as benign is not then subjected to further curation. The score for this variant resulted in a classification of benign for this disease.

NM_001846.4(COL4A2):c.1199G>C (p.Arg400Thr)

Gene: COL4A2 (collagen type IV alpha 2 chain; plus strand). Cytogenetic location: 13q34.
Variant type: single nucleotide variant.
Coding change: c.1199G>C on transcript NM_001846.4 (MANE Select); coding-DNA position 1199, G replaced by C.
Protein change: p.Arg400Thr; replaces arginine 400 with threonine.
Molecular consequence: missense variant.
Genome position (GRCh38, 1-based): chr13:110,450,314, G>C. VCF-style: chr13-110450314-G-C. GRCh37 (hg19) VCF-style: chr13-111102661-G-C.
Other names: short protein forms R400T.
Identifiers: ClinVar variation 883511 (VCV000883511.13), dbSNP rs746145513, ClinGen allele CA7049344.